The following is an entry in ClinVar:

NM_002473.6(MYH9):c.3592G>A (p.Val1198Met)

Gene: MYH9 (myosin heavy chain 9; minus strand). Cytogenetic location: 22q12.3.
Variant type: single nucleotide variant.
Coding change: c.3592G>A on transcript NM_002473.6 (MANE Select); coding-DNA position 3592, G replaced by A.
Protein change: p.Val1198Met; replaces valine 1198 with methionine.
Molecular consequence: missense variant.
Genome position (GRCh38, 1-based): chr22:36,294,970, C>T on the plus strand (G>A on the coding strand, the complement: MYH9 is on the minus strand). VCF-style: chr22-36294970-C-T. GRCh37 (hg19) VCF-style: chr22-36691016-C-T.
Other names: p.Val1198Met; c.3592G>A (NM_002473.5); short protein forms V1198M.
Identifiers: ClinVar variation 1314824 (VCV001314824.14), dbSNP rs200732002, ClinGen allele CA10209640.

ClinVar aggregate classification (germline): Conflicting classifications of pathogenicity. Review status: criteria provided, conflicting classifications (1 of 4 stars). 6 submissions from 6 submitters: Uncertain significance (3); Likely benign (3). Last evaluated 2026-09-02.

Conditions:
Inborn genetic diseases. Identifiers: MedGen C0950123, MeSH D030342.

Allele frequency attached by ClinVar (database versions not stated): gnomAD 0.00001 and 0.00002; TOPMed 0.00001; ExAC 0.00002; gnomAD exomes 0.00004; 1000 Genomes Project 0.00020; 1000 Genomes Project 30x 0.00031.
gnomAD v4.1: 24 of 1,614,154 alleles (0.0015%); highest among the groups gnomAD compares: Admixed American, 0.012%; no homozygotes.

Submissions (6):

GeneDx
Classification: Uncertain significance. Last evaluated: 2026-09-02. Review status: criteria provided, single submitter. Criteria: GeneDx Variant Classification Process June 2021. Collection method: clinical testing. Allele origin: germline.
Comment: In silico analysis suggests that this missense variant does not alter protein structure/function; Has not been previously published as pathogenic or benign to our knowledge

Mayo Clinic Laboratories, Mayo Clinic
Classification: Uncertain significance. Last evaluated: 2025-10-25. Review status: criteria provided, single submitter. Criteria: ACMG Guidelines, 2015. Collection method: clinical testing. Allele origin: germline. Observed: 1 variant allele.
Comment: BS1, PP2

Ambry Genetics
Classification: Likely benign for Inborn genetic diseases. Last evaluated: 2025-07-16. Review status: criteria provided, single submitter. Criteria: Ambry Variant Classification Scheme 2023. Collection method: clinical testing. Allele origin: germline.

Labcorp Genetics (formerly Invitae), Labcorp
Classification: Likely benign. Last evaluated: 2024-10-28. Review status: criteria provided, single submitter. Criteria: Invitae Variant Classification Sherloc (09022015). Collection method: clinical testing. Allele origin: germline.

Blueprint Genetics
Classification: Likely benign. Last evaluated: 2024-09-19. Review status: criteria provided, single submitter. Criteria: ACMG Guidelines, 2015. Collection method: clinical testing. Allele origin: germline.

Breakthrough Genomics
Classification: Uncertain significance. Review status: criteria provided, single submitter. Criteria: ACMG Guidelines, 2015. Collection method: not provided. Allele origin: germline. Inheritance: Autosomal dominant inheritance. Affected: yes.